The following is an entry in ClinVar:

NM_000179.3(MSH6):c.2838A>G (p.Glu946=)

Gene: MSH6 (mutS homolog 6; plus strand). Cytogenetic location: 2p16.3.
Variant type: single nucleotide variant.
Coding change: c.2838A>G on transcript NM_000179.3 (MANE Select); coding-DNA position 2838, A replaced by G.
Protein change: p.Glu946=; no amino-acid change (glutamic acid 946 retained).
Molecular consequence: synonymous variant.
Genome position (GRCh38, 1-based): chr2:47,800,821, A>G. VCF-style: chr2-47800821-A-G. GRCh37 (hg19) VCF-style: chr2-48027960-A-G.
Other names: c.2448A>G, p.Glu816= (NM_001281492.2); c.1932A>G, p.Glu644= (NM_001281493.2, NM_001281494.2).
Identifiers: ClinVar variation 233546 (VCV000233546.20), dbSNP rs876660479, ClinGen allele CA10578120.

ClinVar aggregate classification (germline): Benign/Likely benign. Review status: criteria provided, multiple submitters, no conflicts (2 of 4 stars). 7 submissions from 7 submitters: Benign (1); Likely benign (6). Last evaluated 2025-11-03.

Conditions:
Hereditary cancer-predisposing syndrome. Also called: Neoplastic Syndromes, Hereditary; Tumor predisposition; Hereditary Cancer Syndrome; Hereditary neoplastic syndrome. Identifiers: Orphanet 140162, MedGen C0027672, MeSH D009386, MONDO:0015356.
Lynch syndrome 5 (LYNCH5). Also called: Colorectal cancer, hereditary nonpolyposis, type 5; Hereditary non-polyposis colorectal cancer, type 5. Identifiers: Orphanet 144, MedGen C1833477, MONDO:0013710, OMIM 614350. Disease mechanism: loss of function.
Hereditary nonpolyposis colorectal neoplasms. Identifiers: MedGen C0009405, MeSH D003123.
Lynch syndrome. Identifiers: Orphanet 144, MedGen C4552100, MONDO:0005835. Disease mechanism: loss of function.

Allele frequency attached by ClinVar (database versions not stated): gnomAD exomes 0.00001.
gnomAD v4.1: 3 of 1,614,160 alleles (0.00019%); highest among the groups gnomAD compares: Middle Eastern, 0.016%; no homozygotes.

Submissions (7):

Labcorp Genetics (formerly Invitae), Labcorp
Classification: Likely benign for Hereditary nonpolyposis colorectal neoplasms. Last evaluated: 2025-11-03. Review status: criteria provided, single submitter. Criteria: Invitae Variant Classification Sherloc (09022015). Collection method: clinical testing. Allele origin: germline.

Myriad Genetics, Inc.
Classification: Benign for Lynch syndrome 5. Last evaluated: 2025-01-03. Review status: criteria provided, single submitter. Criteria: Myriad Autosomal Dominant, Autosomal Recessive and X-Linked Classification Criteria (2023). Collection method: clinical testing. Allele origin: unknown.
Comment: This variant is considered benign. This variant is a silent/synonymous amino acid change and it is not expected to impact splicing.

All of Us Research Program, National Institutes of Health
Classification: Likely benign for Lynch syndrome. Last evaluated: 2024-05-14. Review status: criteria provided, single submitter. Criteria: ACMG Guidelines, 2015. Collection method: clinical testing. Allele origin: germline. Inheritance: Autosomal dominant inheritance. Observed: 1 variant allele, 1 heterozygote.
Comment: This study involves interpretation of variants in research participants for the purpose of population health screening. Participant phenotype was not available at the time of variant classification. Additional details can be found in publication PMID: 35346344, PMCID: PMC8962531

Sema4
Classification: Likely benign for Hereditary cancer-predisposing syndrome. Last evaluated: 2021-12-20. Review status: criteria provided, single submitter. Criteria: Sema4 Curation Guidelines. Collection method: curation. Allele origin: germline.

Color Diagnostics, LLC DBA Color Health
Classification: Likely benign for Hereditary cancer-predisposing syndrome. Last evaluated: 2018-11-26. Review status: criteria provided, single submitter. Criteria: ACMG Guidelines, 2015. Collection method: clinical testing. Allele origin: germline.

GeneDx
Classification: Likely benign. Last evaluated: 2016-09-12. Review status: criteria provided, single submitter. Criteria: GeneDx Variant Classification (06012015). Collection method: clinical testing. Allele origin: germline. Affected: yes.
Comment: This variant is considered likely benign or benign based on one or more of the following criteria: it is a conservative change, it occurs at a poorly conserved position in the protein, it is predicted to be benign by multiple in silico algorithms, and/or has population frequency not consistent with disease.

Ambry Genetics
Classification: Likely benign for Hereditary cancer-predisposing syndrome. Last evaluated: 2015-08-27. Review status: criteria provided, single submitter. Criteria: Ambry Variant Classification Scheme 2023. Collection method: clinical testing. Allele origin: germline.